The following is an entry in ClinVar:

ClinVar aggregate classification (germline): Uncertain significance. Review status: criteria provided, multiple submitters, no conflicts (2 of 4 stars). 2 submissions from 2 submitters: Uncertain significance (2). Last evaluated 2025-04-25.

Conditions:
Hereditary cancer-predisposing syndrome. Also called: Tumor predisposition; Hereditary Cancer Syndrome; Hereditary neoplastic syndrome; Neoplastic Syndromes, Hereditary. Identifiers: Orphanet 140162, MedGen C0027672, MeSH D009386, MONDO:0015356.
Neurofibromatosis, type 2 (SWNV). Also called: BILATERAL ACOUSTIC NEUROFIBROMATOSIS; SCHWANNOMATOSIS, VESTIBULAR; NF2-Related Schwannomatosis. Identifiers: Orphanet 637, MedGen C0027832, MONDO:0007039, OMIM 101000. Disease mechanism: loss of function.

Allele frequency attached by ClinVar (database versions not stated): gnomAD exomes below 0.00001; TOPMed below 0.00001.
gnomAD v4.1: 2 of 1,614,222 alleles (0.00012%); highest among the groups gnomAD compares: Non-Finnish European, 0.00017%; no homozygotes.

Submissions (2):

Labcorp Genetics (formerly Invitae), Labcorp
Classification: Uncertain significance for Neurofibromatosis, type 2. Last evaluated: 2025-04-25. Review status: criteria provided, single submitter. Criteria: Invitae Variant Classification Sherloc (09022015). Collection method: clinical testing. Allele origin: germline.
Comment: This sequence change replaces phenylalanine, which is neutral and non-polar, with leucine, which is neutral and non-polar, at codon 256 of the NF2 protein (p.Phe256Leu). This variant is not present in population databases (gnomAD no frequency). This variant has not been reported in the literature in individuals affected with NF2-related conditions. ClinVar contains an entry for this variant (Variation ID: 827185). Invitae Evidence Modeling of protein sequence and biophysical properties (such as structural, functional, and spatial information, amino acid conservation, physicochemical variation, residue mobility, and thermodynamic stability) indicates that this missense variant is expected to disrupt NF2 protein function with a positive predictive value of 80%. In summary, the available evidence is currently insufficient to determine the role of this variant in disease. Therefore, it has been classified as a Variant of Uncertain Significance.

Ambry Genetics
Classification: Uncertain significance for Hereditary cancer-predisposing syndrome. Last evaluated: 2023-06-29. Review status: criteria provided, single submitter. Criteria: Ambry Variant Classification Scheme 2023. Collection method: clinical testing. Allele origin: germline.
Comment: The p.F256L variant (also known as c.766T>C), located in coding exon 8 of the NF2 gene, results from a T to C substitution at nucleotide position 766. The phenylalanine at codon 256 is replaced by leucine, an amino acid with highly similar properties. This amino acid position is highly conserved in available vertebrate species. In addition, this alteration is predicted to be deleterious by in silico analysis. Since supporting evidence is limited at this time, the clinical significance of this alteration remains unclear.

NM_000268.4(NF2):c.766T>C (p.Phe256Leu)

Gene: NF2 (NF2, moesin-ezrin-radixin like (MERLIN) tumor suppressor; plus strand). Cytogenetic location: 22q12.2.
Variant type: single nucleotide variant.
Coding change: c.766T>C on transcript NM_000268.4 (MANE Select); coding-DNA position 766, T replaced by C.
Protein change: p.Phe256Leu; replaces phenylalanine 256 with leucine.
Molecular consequence: missense variant. On other transcripts: non-coding transcript variant (1), intron variant (1).
Genome position (GRCh38, 1-based): chr22:29,661,295, T>C. VCF-style: chr22-29661295-T-C. GRCh37 (hg19) VCF-style: chr22-30057284-T-C.
Other names: c.766T>C, p.Phe256Leu (NM_016418.5, NM_181825.3, NM_181832.3); c.640T>C, p.Phe214Leu (NM_181828.3); c.643T>C, p.Phe215Leu (NM_181829.3); c.517T>C, p.Phe173Leu (NM_181830.3, NM_181831.3); c.447+19010T>C (NM_181833.3); short protein forms F173L, F256L, F214L, F215L.
Identifiers: ClinVar variation 827185 (VCV000827185.11), dbSNP rs1474769404, ClinGen allele CA411143976.